The following is an entry in ClinVar:

ClinVar aggregate classification (germline): Benign (1 of 4 stars; one submission).

Allele frequency attached by ClinVar (database versions not stated): 1000 Genomes Project 0.24441; 1000 Genomes Project 30x 0.24500; TOPMed 0.29175; gnomAD 0.31055 and 0.31211.

Submission:

GeneDx
Classification: Benign. Last evaluated: 2018-06-14. Review status: criteria provided, single submitter. Criteria: GeneDx Variant Classification (06012015). Collection method: clinical testing. Allele origin: germline. Affected: yes.
Comment: This variant is considered likely benign or benign based on one or more of the following criteria: it is a conservative change, it occurs at a poorly conserved position in the protein, it is predicted to be benign by multiple in silico algorithms, and/or has population frequency not consistent with disease.

NM_025150.5(TARS2):c.1238+256T>G

Gene: TARS2 (threonyl-tRNA synthetase 2, mitochondrial; plus strand). Cytogenetic location: 1q21.2.
Variant type: single nucleotide variant.
Coding change: c.1238+256T>G on transcript NM_025150.5 (MANE Select); 256 bases into the intron after coding-DNA position 1238, T replaced by G.
Molecular consequence: intron variant.
Genome position (GRCh38, 1-based): chr1:150,498,003, T>G. VCF-style: chr1-150498003-T-G. GRCh37 (hg19) VCF-style: chr1-150470479-T-G.
Other names: c.992+256T>G (NM_001271895.2); c.848+256T>G (NM_001271896.2).
Identifiers: ClinVar variation 680809 (VCV000680809.1), dbSNP rs11576422, ClinGen allele CA10847932.